The following is an entry in ClinVar:

NM_002317.7(LOX):c.805G>C (p.Val269Leu)

Genes: LOX (lysyl oxidase; minus strand), SRFBP1 (serum response factor binding protein 1; plus strand). Cytogenetic location: 5q23.1.
Variant type: single nucleotide variant.
Coding change: c.805G>C on transcript NM_002317.7 (MANE Select); coding-DNA position 805, G replaced by C.
Protein change: p.Val269Leu; replaces valine 269 with leucine.
Molecular consequence: missense variant. On other transcripts: 5 prime UTR variant (1).
Genome position (GRCh38, 1-based): chr5:122,075,477, C>G on the plus strand (G>C on the coding strand, the complement: LOX is on the minus strand). VCF-style: chr5-122075477-C-G. GRCh37 (hg19) VCF-style: chr5-121411172-C-G.
Other names: c.115G>C, p.Val39Leu (NM_001178102.2); c.-87G>C (NM_001317073.1); short protein forms V269L, V39L.
Identifiers: ClinVar variation 3390146 (VCV003390146.14).

ClinVar aggregate classification (germline): Uncertain significance (1 of 4 stars; one submission).

Submission:

CeGaT Center for Human Genetics Tuebingen
Classification: Uncertain significance. Last evaluated: 2024-11-01. Review status: criteria provided, single submitter. Criteria: CeGaT Center For Human Genetics Tuebingen Variant Classification Criteria Version 2. Collection method: clinical testing. Allele origin: germline. Affected: yes. Observed: 1 variant allele.
Comment: LOX: PM2